The following is an entry in ClinVar:

NM_001267550.2(TTN):c.1663-52A>G

Gene: TTN (titin; minus strand). Cytogenetic location: 2q31.2.
Variant type: single nucleotide variant.
Coding change: c.1663-52A>G on transcript NM_001267550.2 (MANE Select); 52 bases into the intron before coding-DNA position 1663, A replaced by G.
Molecular consequence: intron variant.
Genome position (GRCh38, 1-based): chr2:178,790,897, T>C on the plus strand (A>G on the coding strand, the complement: TTN is on the minus strand). VCF-style: chr2-178790897-T-C. GRCh37 (hg19) VCF-style: chr2-179655624-T-C.
Other names: c.1663-52A>G (NM_001256850.1, NM_133378.4, NM_133379.5); c.1663-782A>G (NM_003319.4, NM_133437.4, NM_133432.3).
Identifiers: ClinVar variation 671471 (VCV000671471.2), dbSNP rs72647857, ClinGen allele CA2005991.

ClinVar aggregate classification (germline): Benign. Review status: criteria provided, multiple submitters, no conflicts (2 of 4 stars). 2 submissions from 2 submitters: Benign (2). Last evaluated 2018-06-14.

Allele frequency attached by ClinVar (database versions not stated): ESP Exome Variant Server 0.00124; gnomAD 0.01177 and 0.01246; TOPMed 0.02164; ExAC 0.02293; 1000 Genomes Project 0.02496; 1000 Genomes Project 30x 0.02748; gnomAD exomes 0.02948.
gnomAD v4.1: 12,197 of 1,604,100 alleles (0.76%); highest among the groups gnomAD compares: Admixed American, 16%; 942 homozygotes.

Submissions (2):

GeneDx
Classification: Benign. Last evaluated: 2018-06-14. Review status: criteria provided, single submitter. Criteria: GeneDx Variant Classification (06012015). Collection method: clinical testing. Allele origin: germline. Affected: yes.
Comment: This variant is considered likely benign or benign based on one or more of the following criteria: it is a conservative change, it occurs at a poorly conserved position in the protein, it is predicted to be benign by multiple in silico algorithms, and/or has population frequency not consistent with disease.

Breakthrough Genomics
Classification: Benign. Review status: criteria provided, single submitter. Criteria: ACMG Guidelines, 2015. Collection method: not provided. Allele origin: germline. Inheritance: Autosomal recessive inheritance. Affected: yes.